The following is an entry in ClinVar:

ClinVar aggregate classification (germline): Conflicting classifications of pathogenicity. Review status: criteria provided, conflicting classifications (1 of 4 stars). 3 submissions from 3 submitters: Likely pathogenic (2); Uncertain significance (1). Last evaluated 2026-09-08.

Conditions:
Cardiovascular phenotype. Identifiers: MedGen CN230736.
Hypertrophic cardiomyopathy. Also called: HYPERTROPHIC MYOCARDIOPATHY. Identifiers: Orphanet 217569, MedGen C0007194, MeSH D002312, MONDO:0005045, HP:0001639.

Submissions (3):

Ambry Genetics
Classification: Uncertain significance for Cardiovascular phenotype. Last evaluated: 2026-09-08. Review status: criteria provided, single submitter. Criteria: Ambry Variant Classification Scheme 2023. Collection method: clinical testing. Allele origin: germline.
Comment: The c.926+1G>C intronic variant results from a G to C substitution one nucleotide after coding exon 11 of the MYBPC3 gene. Variants that disrupt the canonical splice site are expected to result in aberrant splicing. In silico splice site analysis predicts that this alteration may weaken the native splice donor site. A resulting transcript is predicted to be in-frame and is not expected to trigger nonsense-mediated mRNAdecay; although, direct evidence is unavailable. This nucleotide position is highly conserved in available vertebrate species. Based on the available evidence, the clinical significance of this variant remains unclear.

GeneDx
Classification: Likely pathogenic. Last evaluated: 2026-02-04. Review status: criteria provided, single submitter. Criteria: GeneDx Variant Classification Process June 2021. Collection method: clinical testing. Allele origin: germline. Affected: yes.
Comment: Reported as an incidental finding among an exome sequencing cohort (PMID: 36129056), but has not been previously published as pathogenic or benign in an individual with MYBPC3-related cardiomyopathy to our knowledge; Canonical splice site variant predicted to result in an in-frame loss of the adjacent exon in a gene for which loss of function is a known mechanism of disease; Not observed at significant frequency in large population cohorts (gnomAD); This variant is associated with the following publications: (PMID: 36129056)

Labcorp Genetics (formerly Invitae), Labcorp
Classification: Likely pathogenic for Hypertrophic cardiomyopathy. Last evaluated: 2024-02-07. Review status: criteria provided, single submitter. Criteria: Invitae Variant Classification Sherloc (09022015). Collection method: clinical testing. Allele origin: germline.
Comment: This sequence change affects a donor splice site in intron 11 of the MYBPC3 gene. It is expected to disrupt RNA splicing. Variants that disrupt the donor or acceptor splice site typically lead to a loss of protein function (PMID: 16199547), and loss-of-function variants in MYBPC3 are known to be pathogenic (PMID: 19574547). This variant is not present in population databases (gnomAD no frequency). This variant has not been reported in the literature in individuals affected with MYBPC3-related conditions. ClinVar contains an entry for this variant (Variation ID: 1186955). Algorithms developed to predict the effect of sequence changes on RNA splicing suggest that this variant may disrupt the consensus splice site. In summary, the currently available evidence indicates that the variant is pathogenic, but additional data are needed to prove that conclusively. Therefore, this variant has been classified as Likely Pathogenic.

Literature cited by the submitters: PubMed 36129056 (cited by Ambry Genetics); PubMed 16199547 (cited by Labcorp Genetics (formerly Invitae), Labcorp); PubMed 19574547 (cited by Labcorp Genetics (formerly Invitae), Labcorp).

NM_000256.3(MYBPC3):c.926+1G>C

Gene: MYBPC3 (myosin binding protein C3; minus strand). Cytogenetic location: 11p11.2.
Variant type: single nucleotide variant.
Coding change: c.926+1G>C on transcript NM_000256.3 (MANE Select); the canonical splice donor site of the intron after coding-DNA position 926, G replaced by C.
Molecular consequence: splice donor variant.
Genome position (GRCh38, 1-based): chr11:47,346,626, C>G on the plus strand (G>C on the coding strand, the complement: MYBPC3 is on the minus strand). VCF-style: chr11-47346626-C-G. GRCh37 (hg19) VCF-style: chr11-47368177-C-G.
Identifiers: ClinVar variation 1186955 (VCV001186955.13), dbSNP rs767239679, ClinGen allele CA380332847.
Genomic context (GRCh38, chr11:47,346,626, plus strand): 5'-CTGGAGGGGCTCCTGGCAGAATTAGGGGTGATGAGGGTGCTGTGCTATGTTGGGCACTCA[C>G]CTCGGGGTCCGGAAACTGCTGCTCCAGGGGTGGGGGTGGGAGAAAGGGTAGGTGGCACAT-3'